The following is an entry in ClinVar:

NM_005633.4(SOS1):c.2265_2355dup (p.Arg786delinsGluPheThrSerHisSerTer)

Gene: SOS1 (SOS Ras/Rac guanine nucleotide exchange factor 1; minus strand). Cytogenetic location: 2p22.1.
Variant type: Duplication.
Coding change: c.2265_2355dup on transcript NM_005633.4 (MANE Select); coding-DNA positions 2265 to 2355, 91 bases duplicated.
Protein change: p.Arg786delinsGluPheThrSerHisSerTer.
Molecular consequence: nonsense.
Genome position (GRCh38, 1-based): chr2:39,012,161-39,012,251, 91 bases duplicated. GRCh37 (hg19): chr2:39,239,302-39,239,392.
Other names: c.2244_2334dup, p.Arg779delinsGluPheThrSerHisSerTer (NM_001382394.1); c.2265_2355dup, p.Arg786delinsGluPheThrSerHisSerTer (NM_001382395.1).
Identifiers: ClinVar variation 917775 (VCV000917775.1), dbSNP rs1669491885, ClinGen allele CA1139656886.

ClinVar aggregate classification (germline): Uncertain significance (1 of 4 stars; one submission).

Submission:

Women's Health and Genetics/Laboratory Corporation of America, LabCorp
Classification: Uncertain significance. Last evaluated: 2020-04-06. Review status: criteria provided, single submitter. Criteria: LabCorp Variant Classification Summary - May 2015. Collection method: clinical testing. Allele origin: germline.
Comment: Variant summary: SOS1 c.2265_2355dup91 (p.Arg786GlufsX7) results in a premature termination codon, predicted to cause a truncation of the encoded protein (removing Ras guanine-nucleotide exchange factors catalytic domain) or absence of the protein due to nonsense mediated decay, which is not the common mechanism of pathogenic SOS1 variants. The variant was absent in 251036 control chromosomes. The available data on variant occurrences in the general population are insufficient to allow any conclusion about variant significance. To our knowledge, no occurrence of c.2265_2355dup91 in individuals affected with Noonan Syndrome and Related Conditions and no experimental evidence demonstrating its impact on protein function have been reported. No clinical diagnostic laboratories have submitted clinical-significance assessments for this variant to ClinVar after 2014. Based on the evidence outlined above, the variant was classified as uncertain significance.